The following is an entry in ClinVar:

NM_002834.5(PTPN11):c.1085G>A (p.Arg362Lys)

Gene: PTPN11 (protein tyrosine phosphatase non-receptor type 11; plus strand). Cytogenetic location: 12q24.13.
Variant type: single nucleotide variant.
Coding change: c.1085G>A on transcript NM_002834.5 (MANE Select); coding-DNA position 1085, G replaced by A.
Protein change: p.Arg362Lys; replaces arginine 362 with lysine.
Molecular consequence: missense variant.
Genome position (GRCh38, 1-based): chr12:112,478,008, G>A. VCF-style: chr12-112478008-G-A. GRCh37 (hg19) VCF-style: chr12-112915812-G-A.
Other names: c.1085G>A, p.Arg362Lys (NM_001330437.2, NM_080601.3); c.1082G>A, p.Arg361Lys (NM_001374625.1); short protein forms R362K, R361K.
Identifiers: ClinVar variation 1351600 (VCV001351600.8), dbSNP rs2135902194, ClinGen allele CA386791738.

ClinVar aggregate classification (germline): Uncertain significance (1 of 4 stars; one submission).

Conditions:
RASopathy. Also called: rasopathies; Noonan spectrum disorder. Identifiers: Orphanet 536391, MedGen C5555857, MONDO:0021060.

Submission:

Labcorp Genetics (formerly Invitae), Labcorp
Classification: Uncertain significance for RASopathy. Last evaluated: 2021-05-28. Review status: criteria provided, single submitter. Criteria: Invitae Variant Classification Sherloc (09022015). Collection method: clinical testing. Allele origin: germline.
Comment: This sequence change replaces arginine with lysine at codon 362 of the PTPN11 protein (p.Arg362Lys). The arginine residue is highly conserved and there is a small physicochemical difference between arginine and lysine. This variant is not present in population databases (ExAC no frequency). This variant has not been reported in the literature in individuals with PTPN11-related conditions. Algorithms developed to predict the effect of missense changes on protein structure and function (SIFT, PolyPhen-2, Align-GVGD) all suggest that this variant is likely to be tolerated, but these predictions have not been confirmed by published functional studies and their clinical significance is uncertain. In summary, the available evidence is currently insufficient to determine the role of this variant in disease. Therefore, it has been classified as a Variant of Uncertain Significance.